The following is an entry in ClinVar:

NC_000019.9:g.(?_48744199)_(48822028_?)del

Genes: CARD8 (caspase recruitment domain family member 8; minus strand), ODAD1 (outer dynein arm docking complex subunit 1; minus strand), ZNF114 (zinc finger protein 114; plus strand). Cytogenetic location: 19q13.33.
Variant type: Deletion.
Identifiers: ClinVar variation 3242694 (VCV003242694.1).

ClinVar aggregate classification (germline): Uncertain significance (1 of 4 stars; one submission).

Submission:

Labcorp Genetics (formerly Invitae), Labcorp
Classification: Uncertain significance. Last evaluated: 2023-01-26. Review status: criteria provided, single submitter. Criteria: Invitae Variant Classification Sherloc (09022015). Collection method: clinical testing. Allele origin: unknown.
Comment: In summary, the available evidence is currently insufficient to determine the role of this variant in disease. Therefore, it has been classified as a Variant of Uncertain Significance. This variant has not been reported in the literature in individuals affected with CARD8-related conditions. This variant is a gross deletion of the genomic region encompassing exon(s) 1-3 of the CARD8 gene, which includes the initiator codon. This deletion extends beyond the assayed region for this gene and therefore may encompass additional genes. It is expected to result in an absent or disrupted protein product. However, the current clinical and genetic evidence is not sufficient to establish whether loss-of-function variants in CARD8 cause disease.